The following is an entry in ClinVar:

ClinVar aggregate classification (germline): Uncertain significance (1 of 4 stars; one submission).

Submission:

Women's Health and Genetics/Laboratory Corporation of America, LabCorp
Classification: Uncertain significance. Last evaluated: 2022-05-04. Review status: criteria provided, single submitter. Criteria: LabCorp Variant Classification Summary - May 2015. Collection method: clinical testing. Allele origin: germline.
Comment: Variant summary: AGXT c.385G>A (p.Asp129Asn) results in a conservative amino acid change located in the Aminotransferase class V domain (IPR000192) of the encoded protein sequence. Five of five in-silico tools predict a benign effect of the variant on protein function. The variant allele was found at a frequency of 6.1e-06 in 163230 control chromosomes. The available data on variant occurrences in the general population are insufficient to allow any conclusion about variant significance. To our knowledge, no occurrence of c.385G>A in individuals affected with Primary Hyperoxaluria Type 1 and no experimental evidence demonstrating its impact on protein function have been reported. No clinical diagnostic laboratories have submitted clinical-significance assessments for this variant to ClinVar after 2014. Based on the evidence outlined above, the variant was classified as uncertain significance.

NM_000030.3(AGXT):c.385G>A (p.Asp129Asn)

Gene: AGXT (alanine--glyoxylate aminotransferase; plus strand). Cytogenetic location: 2q37.3.
Variant type: single nucleotide variant.
Coding change: c.385G>A on transcript NM_000030.3 (MANE Select); coding-DNA position 385, G replaced by A.
Protein change: p.Asp129Asn; replaces aspartic acid 129 with asparagine.
Molecular consequence: missense variant.
Genome position (GRCh38, 1-based): chr2:240,870,670, G>A. VCF-style: chr2-240870670-G-A. GRCh37 (hg19) VCF-style: chr2-241810087-G-A.
Other names: short protein forms D129N.
Identifiers: ClinVar variation 1696070 (VCV001696070.1), dbSNP rs180177212, ClinGen allele CA2209077.